The following is an entry in ClinVar:

ClinVar aggregate classification (germline): Uncertain significance. Review status: criteria provided, multiple submitters, no conflicts (2 of 4 stars). 2 submissions from 2 submitters: Uncertain significance (2). Last evaluated 2025-10-02.

Conditions:
Hereditary spastic paraplegia 7 (SPG7). Also called: SPG7-related neurologic disorder; Spastic paraplegia 7; Hereditary spastic paraplegia Paraplegin type; Autosomal recessive spastic paraplegia type 7; SPASTIC PARAPLEGIA 7, AUTOSOMAL RECESSIVE, WITH OR WITHOUT CEREBELLAR ATAXIA. Identifiers: Orphanet 99013, MedGen C1846564, MONDO:0011803, OMIM 607259.
Inborn genetic diseases. Identifiers: MedGen C0950123, MeSH D030342.

Allele frequency attached by ClinVar (database versions not stated): gnomAD 0.00001; gnomAD exomes 0.00001; TOPMed 0.00002.
gnomAD v4.1: 20 of 1,612,740 alleles (0.0012%); highest among the groups gnomAD compares: African/African-American, 0.004%; no homozygotes.

Submissions (2):

Labcorp Genetics (formerly Invitae), Labcorp
Classification: Uncertain significance for Hereditary spastic paraplegia 7. Last evaluated: 2025-10-02. Review status: criteria provided, single submitter. Criteria: Invitae Variant Classification Sherloc (09022015). Collection method: clinical testing. Allele origin: germline.
Comment: This sequence change replaces histidine, which is basic and polar, with arginine, which is basic and polar, at codon 83 of the SPG7 protein (p.His83Arg). This variant is not present in population databases (gnomAD no frequency). This variant has not been reported in the literature in individuals affected with SPG7-related conditions. ClinVar contains an entry for this variant (Variation ID: 2914800). Invitae Evidence Modeling of protein sequence and biophysical properties (such as structural, functional, and spatial information, amino acid conservation, physicochemical variation, residue mobility, and thermodynamic stability) indicates that this missense variant is not expected to disrupt SPG7 protein function with a negative predictive value of 95%. In summary, the available evidence is currently insufficient to determine the role of this variant in disease. Therefore, it has been classified as a Variant of Uncertain Significance.

Ambry Genetics
Classification: Uncertain significance for Inborn genetic diseases. Last evaluated: 2025-04-25. Review status: criteria provided, single submitter. Criteria: Ambry Variant Classification Scheme 2023. Collection method: clinical testing. Allele origin: germline.

NM_003119.4(SPG7):c.248A>G (p.His83Arg)

Gene: SPG7 (SPG7 matrix AAA peptidase subunit, paraplegin; plus strand). Cytogenetic location: 16q24.3.
Variant type: single nucleotide variant.
Coding change: c.248A>G on transcript NM_003119.4 (MANE Select); coding-DNA position 248, A replaced by G.
Protein change: p.His83Arg; replaces histidine 83 with arginine.
Molecular consequence: missense variant.
Genome position (GRCh38, 1-based): chr16:89,510,554, A>G. VCF-style: chr16-89510554-A-G. GRCh37 (hg19) VCF-style: chr16-89576962-A-G.
Other names: c.248A>G (NM_003119.2); c.248A>G, p.His83Arg (NM_001363850.1, NM_199367.3); short protein forms H83R.
Identifiers: ClinVar variation 2914800 (VCV002914800.4), dbSNP rs1011128784, ClinGen allele CA286521188.
Genomic context (GRCh38, chr16:89,510,554, plus strand): 5'-TACAATTGAGACTGCTAACCCCTACCTTTGAAGGGATCAACGGATTGTTGTTGAAACAAC[A>G]TTTAGTTCAGAATCCAGTCAGACTCTGGCAACTTTTAGGTATGTATCTGTTTAAAGAAGC-3'
Protein context (NP_003110.1, residues 73-93): EGINGLLLKQ[His83Arg]LVQNPVRLWQ